The following is an entry in ClinVar:

NM_000322.5(PRPH2):c.772T>A (p.Tyr258Asn)

Gene: PRPH2 (peripherin 2; minus strand). Cytogenetic location: 6p21.1.
Variant type: single nucleotide variant.
Coding change: c.772T>A on transcript NM_000322.5 (MANE Select); coding-DNA position 772, T replaced by A.
Protein change: p.Tyr258Asn; replaces tyrosine 258 with asparagine.
Molecular consequence: missense variant.
Genome position (GRCh38, 1-based): chr6:42,704,421, A>T on the plus strand (T>A on the coding strand, the complement: PRPH2 is on the minus strand). VCF-style: chr6-42704421-A-T. GRCh37 (hg19) VCF-style: chr6-42672159-A-T.
Other names: short protein forms Y258N.
Identifiers: ClinVar variation 4529773 (VCV004529773.2).

ClinVar aggregate classification (germline): Uncertain significance. Review status: criteria provided, multiple submitters, no conflicts (2 of 4 stars). 2 submissions from 2 submitters: Uncertain significance (2). Last evaluated 2025-11-03.

Conditions:
PRPH2-related disorder. Also called: PRPH2-related condition; PRPH2-related disorders. Identifiers: MedGen CN239395.

gnomAD v4.1: 1 of 1,611,054 alleles (0.000062%); highest among the groups gnomAD compares: Non-Finnish European, 0.000085%; no homozygotes.

Submissions (2):

Labcorp Genetics (formerly Invitae), Labcorp
Classification: Uncertain significance for PRPH2-related disorder. Last evaluated: 2025-11-03. Review status: criteria provided, single submitter. Criteria: Invitae Variant Classification Sherloc (09022015). Collection method: clinical testing. Allele origin: germline.
Comment: This sequence change replaces tyrosine, which is neutral and polar, with asparagine, which is neutral and polar, at codon 258 of the PRPH2 protein (p.Tyr258Asn). This variant is not present in population databases (gnomAD no frequency). This variant has not been reported in the literature in individuals affected with PRPH2-related conditions. Invitae Evidence Modeling of protein sequence and biophysical properties (such as structural, functional, and spatial information, amino acid conservation, physicochemical variation, residue mobility, and thermodynamic stability) indicates that this missense variant is expected to disrupt PRPH2 protein function with a positive predictive value of 95%. In summary, the available evidence is currently insufficient to determine the role of this variant in disease. Therefore, it has been classified as a Variant of Uncertain Significance.

GeneDx
Classification: Uncertain significance. Last evaluated: 2025-05-13. Review status: criteria provided, single submitter. Criteria: GeneDx Variant Classification Process June 2021. Collection method: clinical testing. Allele origin: germline. Affected: yes.
Comment: Not observed at significant frequency in large population cohorts (gnomAD); In silico analysis supports that this missense variant has a deleterious effect on protein structure/function; Has not been previously published as pathogenic or benign to our knowledge